The following is an entry in ClinVar:

NM_015512.5(DNAH1):c.11155A>G (p.Ser3719Gly)

Gene: DNAH1 (dynein axonemal heavy chain 1; plus strand). Cytogenetic location: 3p21.1.
Variant type: single nucleotide variant.
Coding change: c.11155A>G on transcript NM_015512.5 (MANE Select); coding-DNA position 11155, A replaced by G.
Protein change: p.Ser3719Gly; replaces serine 3719 with glycine.
Molecular consequence: missense variant.
Genome position (GRCh38, 1-based): chr3:52,395,574, A>G. VCF-style: chr3-52395574-A-G. GRCh37 (hg19) VCF-style: chr3-52429590-A-G.
Other names: short protein forms S3719G.
Identifiers: ClinVar variation 4782591 (VCV004782591.1).

ClinVar aggregate classification (germline): Uncertain significance (1 of 4 stars; one submission).

Conditions:
Spermatogenic failure 18. Identifiers: MedGen C4539783, MONDO:0054615, OMIM 617576.
Ciliary dyskinesia, primary, 37 (CILD37). Also called: CILIARY DYSKINESIA, PRIMARY, 37, WITH OR WITHOUT SITUS INVERSUS. Identifiers: MedGen C4539798, MONDO:0033204, OMIM 617577.

Submission:

Labcorp Genetics (formerly Invitae), Labcorp
Classification: Uncertain significance for Ciliary dyskinesia, primary, 37; Spermatogenic failure 18. Last evaluated: 2025-09-05. Review status: criteria provided, single submitter. Criteria: Invitae Variant Classification Sherloc (09022015). Collection method: clinical testing. Allele origin: germline.
Comment: This sequence change replaces serine, which is neutral and polar, with glycine, which is neutral and non-polar, at codon 3719 of the DNAH1 protein (p.Ser3719Gly). This variant is not present in population databases (gnomAD no frequency). This variant has not been reported in the literature in individuals affected with DNAH1-related conditions. Invitae Evidence Modeling of protein sequence and biophysical properties (such as structural, functional, and spatial information, amino acid conservation, physicochemical variation, residue mobility, and thermodynamic stability) indicates that this missense variant is expected to disrupt DNAH1 protein function with a positive predictive value of 80%. In summary, the available evidence is currently insufficient to determine the role of this variant in disease. Therefore, it has been classified as a Variant of Uncertain Significance.